The following is an entry in ClinVar:

NM_002187.3(IL12B):c.863G>C (p.Arg288Thr)

Gene: IL12B (interleukin 12B; minus strand). Cytogenetic location: 5q33.3.
Variant type: single nucleotide variant.
Coding change: c.863G>C on transcript NM_002187.3 (MANE Select); coding-DNA position 863, G replaced by C.
Protein change: p.Arg288Thr; replaces arginine 288 with threonine.
Molecular consequence: missense variant.
Genome position (GRCh38, 1-based): chr5:159,316,809, C>G on the plus strand (G>C on the coding strand, the complement: IL12B is on the minus strand). VCF-style: chr5-159316809-C-G. GRCh37 (hg19) VCF-style: chr5-158743817-C-G.
Other names: short protein forms R288T.
Identifiers: ClinVar variation 352573 (VCV000352573.15), dbSNP rs370904274, ClinGen allele CA3538684.
Genomic context (GRCh38, chr5:159,316,809, plus strand): 5'-ACGCTAATGCTGGCATTTTTGCGGCAGATGACCGTGGCTGAGGTCTTGTCCGTGAAGACT[C>G]TATCTTTCTGCAAAAGAGAAGGAAAGCTGTGAAGACCCCTTGGCAACATAGTCACAGGGT-3'
Protein context (NP_002178.2, residues 278-298): QGKSKREKKD[Arg288Thr]VFTDKTSATV

ClinVar aggregate classification (germline): Benign/Likely benign. Review status: criteria provided, multiple submitters, no conflicts (2 of 4 stars). 2 submissions from 2 submitters: Benign (1); Likely benign (1). Last evaluated 2026-01-25.

Conditions:
Mendelian susceptibility to mycobacterial diseases due to complete IL12B deficiency. Also called: IL12B DEFICIENCY; Immunodeficiency 29. Identifiers: Orphanet 319558, MedGen C4013948, MONDO:0013954, OMIM 614890.

Allele frequency attached by ClinVar (database versions not stated): gnomAD 0.00001 and 0.00031; TOPMed 0.00006; gnomAD exomes 0.00054 and 0.00111; ExAC 0.00114; 1000 Genomes Project 30x 0.00234; 1000 Genomes Project 0.00260.
gnomAD v4.1: 838 of 1,613,968 alleles (0.052%); highest among the groups gnomAD compares: South Asian, 0.86%; 8 homozygotes.

Submissions (2):

Labcorp Genetics (formerly Invitae), Labcorp
Classification: Benign for Mendelian susceptibility to mycobacterial diseases due to complete IL12B deficiency. Last evaluated: 2026-01-25. Review status: criteria provided, single submitter. Criteria: Invitae Variant Classification Sherloc (09022015). Collection method: clinical testing. Allele origin: germline.

Illumina Laboratory Services, Illumina
Classification: Likely benign for Mendelian susceptibility to mycobacterial diseases due to complete IL12B deficiency. Last evaluated: 2018-01-12. Review status: criteria provided, single submitter. Criteria: ICSL Variant Classification Criteria 13 December 2019. Collection method: clinical testing. Allele origin: germline.
Comment: This variant was observed in the ICSL laboratory as part of a predisposition screen in an ostensibly healthy population. It had not been previously curated by ICSL or reported in the Human Gene Mutation Database (HGMD: prior to June 1st, 2018), and was therefore a candidate for classification through an automated scoring system. Utilizing variant allele frequency, disease prevalence and penetrance estimates, and inheritance mode, an automated score was calculated to assess if this variant is too frequent to cause the disease. Based on the score and internal cut-off values, a variant classified as likely benign is not then subjected to further curation. The score for this variant resulted in a classification of likely benign for this disease.